The following is an entry in ClinVar:

ClinVar aggregate classification (germline): Conflicting classifications of pathogenicity. Review status: criteria provided, conflicting classifications (1 of 4 stars). 8 submissions from 8 submitters: Likely pathogenic (1); Uncertain significance (6); Likely benign (1). Last evaluated 2026-03-17.

Conditions:
Autoinflammatory syndrome. Identifiers: Orphanet 93665, MedGen C3890737, MONDO:0019751.
Fetal anomalies with a likely genetic cause.
Familial hemophagocytic lymphohistiocytosis 3 (FHL3). Also called: UNC13D-Related Familial Hemophagocytic Lymphohistiocytosis (UNC13D-fHLH). Identifiers: Orphanet 540, MedGen C1837174, MONDO:0012146, OMIM 608898.

Allele frequency attached by ClinVar (database versions not stated): gnomAD exomes 0.00011 and 0.00030; gnomAD 0.00013 and 0.00018; TOPMed 0.00023; ExAC 0.00036; 1000 Genomes Project 0.00140; 1000 Genomes Project 30x 0.00141.
gnomAD v4.1: 187 of 1,613,990 alleles (0.012%); highest among the groups gnomAD compares: East Asian, 0.33%; no homozygotes.

Submissions (8):

Genetics Laboratory, Great Ormond Street Hospital NHS Foundation Trust, North Thames Genomic Laboratory Hub
Classification: Likely pathogenic for Fetal anomalies with a likely genetic cause. Last evaluated: 2026-03-17. Review status: criteria provided, single submitter. Criteria: ACGS Best Practice Guidelines for Variant Classification in Rare Disease 2024 v1.2. Collection method: clinical testing. Allele origin: germline. Affected: yes.
Comment: PM2_moderate, PP3_supporting, PS3_supporting, PM1_supporting, PM3_moderate

Labcorp Genetics (formerly Invitae), Labcorp
Classification: Likely benign for Familial hemophagocytic lymphohistiocytosis 3. Last evaluated: 2026-01-22. Review status: criteria provided, single submitter. Criteria: Invitae Variant Classification Sherloc (09022015). Collection method: clinical testing. Allele origin: germline.

Mayo Clinic Laboratories, Mayo Clinic
Classification: Uncertain significance. Last evaluated: 2025-05-28. Review status: criteria provided, single submitter. Criteria: ACMG Guidelines, 2015. Collection method: clinical testing. Allele origin: germline. Observed: 1 variant allele.
Comment: BS1, PP3_strong, PS3_supporting

GeneDx
Classification: Uncertain significance. Last evaluated: 2025-03-17. Review status: criteria provided, single submitter. Criteria: GeneDx Variant Classification Process June 2021. Collection method: clinical testing. Allele origin: germline. Affected: yes.
Comment: Reported in several individuals from a cohort of adults with hemophagocytic lymphohistiocytosis, including at least one individual in whom the variant was seen apparently homozygous, but detailed clinical information was not provided (PMID: 30899265); Reported in the homozygous state in an individual with decreased NK cell function, but no other clinical information was provided (PMID: 32542393); Reported homozygous in a proband with juvenile polymyositis with recurrent macrophage activation syndrome (PMID: 33930104); Reported in several individuals in published literature with Epstein-Barr virus-associated T/NK-cell lymphoproliferative diseases, but the zygosity of the variant was not specified and only one of the individuals was reported to have a second variant in the UNC13D gene (PMID: 34170459); Reported with another UNC13D variant in a patient with cytomegalovirus palatal ulceration and bocavirus pneumonitis who had severely reduced NK cell cytotoxicity, but it is not known whether the variants occurred on the same (in cis) or on different (in trans) chromosomes (PMID: 29415165); In silico analysis supports that this missense variant has a deleterious effect on protein structure/function; This variant is associated with the following publications: (PMID: 27535855, 29113160, 27775696, 36706356, 35207686, 33867526, 31980526, 27535852, 29357941, 32542393, 21600143, 33930104, 34170459, 30899265, 29415165)

Blueprint Genetics
Classification: Uncertain significance. Last evaluated: 2024-07-17. Review status: criteria provided, single submitter. Criteria: ACMG Guidelines, 2015. Collection method: clinical testing. Allele origin: germline.

Women's Health and Genetics/Laboratory Corporation of America, LabCorp
Classification: Uncertain significance. Last evaluated: 2022-12-28. Review status: criteria provided, single submitter. Criteria: LabCorp Variant Classification Summary - May 2015. Collection method: clinical testing. Allele origin: germline.
Comment: Variant summary: UNC13D c.2588G>A (p.Gly863Asp) results in a non-conservative amino acid change located in the MUN domain (IPR010439) of the encoded protein sequence. Five of five in-silico tools predict a damaging effect of the variant on protein function. The variant allele was found at a frequency of 0.0003 in 250652 control chromosomes, predominantly at a frequency of 0.0036 within the East Asian subpopulation in the gnomAD database. The observed variant frequency within East Asian control individuals in the gnomAD database is approximately 1.3 fold of the estimated maximal expected allele frequency for a pathogenic variant in UNC13D causing Familial Hemophagocytic Lymphohistiocytosis phenotype (0.0027), strongly suggesting that the variant is a benign polymorphism found primarily in populations of East Asian origin. c.2588G>A has been reported in the literature as homozygous and/or presumably compound heterozygous genotypes predominantly in East Asian individuals affected with features resembling or with a reported diagnosis of Familial Hemophagocytic Lymphohistiocytosis (example, PMID: 32638196, 29113160, 29415165, 30899265, 32375849). These data indicate that the variant may be associated with disease. To our knowledge, no experimental evidence demonstrating an impact on protein function has been reported. Three clinical diagnostic laboratories have submitted clinical-significance assessments for this variant to ClinVar after 2014 without evidence for independent evaluation (VUS, n=2, LB, n=1). Based on the evidence outlined above, the variant was classified as VUS-possibly benign.

Genome Diagnostics Laboratory, The Hospital for Sick Children
Classification: Uncertain significance for Autoinflammatory syndrome. Last evaluated: 2016-12-12. Review status: criteria provided, single submitter. Criteria: ACMG Guidelines, 2015. Collection method: clinical testing. Allele origin: germline. Affected: yes.

Soonchunhyang University Bucheon Hospital, Soonchunhyang University Medical Center
Classification: Uncertain significance for Familial hemophagocytic lymphohistiocytosis 3. Last evaluated: 2016-03-18. Review status: criteria provided, single submitter. Criteria: ACMG Guidelines, 2015. Collection method: reference population. Allele origin: germline. Observed: 2 variant alleles.

Literature cited by the submitters: PubMed 21600143 (cited by Mayo Clinic Laboratories, Mayo Clinic and Soonchunhyang University Bucheon Hospital, Soonchunhyang University Medical Center); PubMed 27535855 (cited by Mayo Clinic Laboratories, Mayo Clinic); PubMed 29357941 (cited by Mayo Clinic Laboratories, Mayo Clinic); PubMed 29415165 (cited by Mayo Clinic Laboratories, Mayo Clinic and Women's Health and Genetics/Laboratory Corporation of America, LabCorp); PubMed 30899265 (cited by Mayo Clinic Laboratories, Mayo Clinic and Women's Health and Genetics/Laboratory Corporation of America, LabCorp); PubMed 32542393 (cited by Mayo Clinic Laboratories, Mayo Clinic); PubMed 34185399 (cited by Mayo Clinic Laboratories, Mayo Clinic); PubMed 36706356 (cited by Mayo Clinic Laboratories, Mayo Clinic); PubMed 32638196 (cited by Women's Health and Genetics/Laboratory Corporation of America, LabCorp); PubMed 29113160 (cited by Women's Health and Genetics/Laboratory Corporation of America, LabCorp); PubMed 32375849 (cited by Women's Health and Genetics/Laboratory Corporation of America, LabCorp).

NM_199242.3(UNC13D):c.2588G>A (p.Gly863Asp)

Gene: UNC13D (unc-13 homolog D; minus strand). Cytogenetic location: 17q25.1.
Variant type: single nucleotide variant.
Coding change: c.2588G>A on transcript NM_199242.3 (MANE Select); coding-DNA position 2588, G replaced by A.
Protein change: p.Gly863Asp; replaces glycine 863 with aspartic acid.
Molecular consequence: missense variant.
Genome position (GRCh38, 1-based): chr17:75,831,135, C>T on the plus strand (G>A on the coding strand, the complement: UNC13D is on the minus strand). VCF-style: chr17-75831135-C-T. GRCh37 (hg19) VCF-style: chr17-73827216-C-T.
Other names: p.Gly863Asp; short protein forms G863D.
Identifiers: ClinVar variation 225509 (VCV000225509.21), dbSNP rs140184929, ClinGen allele CA8772459.
Genomic context (GRCh38, chr17:75,831,135, plus strand): 5'-GGAAGCTCACCCAAAGCCCCTACCTGGAAGGTGGCAGTGTGCAGGGCCTTGGGTGGCAGG[C>T]CACAGCCCTCAGCGTGGAAGCAGATCTCCAGGTTCTGGGGGAGATATCAGAGGTGACCCC-3'
Protein context (NP_954712.1, residues 853-873): LEICFHAEGC[Gly863Asp]LPPKALHTAT